The following is an entry in ClinVar:

ClinVar aggregate classification (germline): Conflicting classifications of pathogenicity. Review status: criteria provided, conflicting classifications (1 of 4 stars). 4 submissions from 4 submitters: Uncertain significance (3); Likely benign (1). Last evaluated 2026-02-19.

Conditions:
Nephronophthisis. Also called: Juvenile Nephronophthisis. Identifiers: Orphanet 655, MedGen C0687120, MONDO:0019005, HP:0000090.
Jeune thoracic dystrophy. Also called: Jeune syndrome; Infantile thoracic dystrophy; Thoracic pelvic phalangeal dystrophy; Jeune's syndrome; Chondroectodermal dysplasia-like syndrome; Short-rib thoracic dysplasia. Identifiers: Orphanet 474, MedGen C0265275, MONDO:0018770.
Nephronophthisis 12 (NPHP12). Identifiers: Orphanet 655, MedGen C3151186, MONDO:0013442, OMIM 613820.
Asphyxiating thoracic dystrophy 4 (SRTD4). Also called: SHORT-RIB THORACIC DYSPLASIA 4 WITH OR WITHOUT POLYDACTYLY; SHORT-RIB THORACIC DYSPLASIA 4. Identifiers: Orphanet 474, MedGen C3151185, MONDO:0013441, OMIM 613819.
TTC21B-related disorder. Also called: TTC21B-related disorders; TTC21B-related condition.

Allele frequency attached by ClinVar (database versions not stated): ESP Exome Variant Server 0.00008.
gnomAD v4.1: 18 of 1,605,460 alleles (0.0011%); highest among the groups gnomAD compares: South Asian, 0.0055%; no homozygotes.

Submissions (4):

PreventionGenetics, part of Exact Sciences
Classification: Uncertain significance for TTC21B-related condition. Last evaluated: 2026-02-19. Review status: criteria provided, single submitter. Criteria: ACMG Guidelines, 2015. Collection method: clinical testing. Allele origin: germline.
Comment: The TTC21B c.436G>A variant is predicted to result in the amino acid substitution p.Val146Ile. This variant was reported in an individual with autism (Supplementary Data 3, Zhou et al. 2022. PubMed ID: 35982159). This variant is reported in 0.0062% of alleles in individuals of African descent in gnomAD. At this time, the clinical significance of this variant is uncertain due to the absence of conclusive functional and genetic evidence.

Fulgent Genetics
Classification: Uncertain significance for Asphyxiating thoracic dystrophy 4; Nephronophthisis 12. Last evaluated: 2024-03-25. Review status: criteria provided, single submitter. Criteria: ACMG Guidelines, 2015. Collection method: clinical testing. Allele origin: germline.

Blueprint Genetics
Classification: Likely benign. Last evaluated: 2022-11-18. Review status: criteria provided, single submitter. Criteria: ACMG Guidelines, 2015. Collection method: clinical testing. Allele origin: germline.

Labcorp Genetics (formerly Invitae), Labcorp
Classification: Uncertain significance for Jeune thoracic dystrophy; Nephronophthisis. Last evaluated: 2021-12-03. Review status: criteria provided, single submitter. Criteria: Invitae Variant Classification Sherloc (09022015). Collection method: clinical testing. Allele origin: germline.
Comment: In summary, the available evidence is currently insufficient to determine the role of this variant in disease. Therefore, it has been classified as a Variant of Uncertain Significance. Algorithms developed to predict the effect of missense changes on protein structure and function output the following: SIFT: "Tolerated"; PolyPhen-2: "Benign"; Align-GVGD: "Class C0". The isoleucine amino acid residue is found in multiple mammalian species, which suggests that this missense change does not adversely affect protein function. This variant has not been reported in the literature in individuals affected with TTC21B-related conditions. This variant is present in population databases (rs373074238, gnomAD 0.007%). This sequence change replaces valine, which is neutral and non-polar, with isoleucine, which is neutral and non-polar, at codon 146 of the TTC21B protein (p.Val146Ile).

NM_024753.5(TTC21B):c.436G>A (p.Val146Ile)

Genes: TTC21B-AS1 (TTC21B antisense RNA 1; plus strand), TTC21B (tetratricopeptide repeat domain 21B; minus strand). Cytogenetic location: 2q24.3.
Variant type: single nucleotide variant.
Coding change: c.436G>A on transcript NM_024753.5 (MANE Select); coding-DNA position 436, G replaced by A.
Protein change: p.Val146Ile; replaces valine 146 with isoleucine.
Molecular consequence: missense variant.
Genome position (GRCh38, 1-based): chr2:165,943,335, C>T on the plus strand (G>A on the coding strand, the complement: TTC21B is on the minus strand). VCF-style: chr2-165943335-C-T. GRCh37 (hg19) VCF-style: chr2-166799845-C-T.
Other names: c.436G>A (NM_024753.4); short protein forms V146I.
Identifiers: ClinVar variation 1380753 (VCV001380753.9), dbSNP rs373074238, ClinGen allele CA1942435.
Genomic context (GRCh38, chr2:165,943,335, plus strand): 5'-TCAGTGCTTTTTTAGTGTAAGGCTCTTTTCCTCTTGTAATATCAAGCCATGCTTTCAAAA[C>T]GTGTCCCTGTAAAATGAATAATTCTATTTTTACTTTTTTAGAAATGAGAGAAATAAATGT-3'
Protein context (NP_079029.3, residues 136-156): KISDGSKQGH[Val146Ile]LKAWLDITRG